The following is an entry in ClinVar:

NM_014956.5(CEP164):c.312A>G (p.Ser104=)

Gene: CEP164 (centrosomal protein 164; plus strand). Cytogenetic location: 11q23.3.
Variant type: single nucleotide variant.
Coding change: c.312A>G on transcript NM_014956.5 (MANE Select); coding-DNA position 312, A replaced by G.
Protein change: p.Ser104=; no amino-acid change (serine 104 retained).
Molecular consequence: synonymous variant.
Genome position (GRCh38, 1-based): chr11:117,351,907, A>G. VCF-style: chr11-117351907-A-G. GRCh37 (hg19) VCF-style: chr11-117222623-A-G.
Other names: c.312A>G, p.Ser104= (NM_001440954.1, NM_001440955.1, NM_001440956.1 and 36 more transcripts); c.174A>G, p.Ser58= (NM_001440960.1); c.312A>G (NM_014956.4).
Identifiers: ClinVar variation 4914107 (VCV004914107.2).

ClinVar aggregate classification (germline): Likely benign. Review status: criteria provided, multiple submitters, no conflicts (2 of 4 stars). 2 submissions from 2 submitters: Likely benign (2). Last evaluated 2025-12-04.

Conditions:
CEP164-related disorder. Also called: CEP164-related condition.

gnomAD v4.1: 4 of 1,613,558 alleles (0.00025%); highest among the groups gnomAD compares: Admixed American, 0.005%; no homozygotes.

Submissions (2):

PreventionGenetics, part of Exact Sciences
Classification: Likely benign for CEP164-related condition. Last evaluated: 2025-12-04. Review status: criteria provided, single submitter. Criteria: ACMG Guidelines, 2015. Collection method: clinical testing. Allele origin: germline.
Comment: This variant is classified as likely benign based on ACMG/AMP sequence variant interpretation guidelines (Richards et al. 2015 PMID: 25741868, with internal and published modifications).

Blueprint Genetics
Classification: Likely benign. Last evaluated: 2021-11-26. Review status: criteria provided, single submitter. Criteria: ACMG Guidelines, 2015. Collection method: clinical testing. Allele origin: germline.